The following is an entry in ClinVar:

NM_058216.3(RAD51C):c.572-10G>A

Gene: RAD51C (RAD51 paralog C; plus strand). Cytogenetic location: 17q22.
Variant type: single nucleotide variant.
Coding change: c.572-10G>A on transcript NM_058216.3 (MANE Select); 10 bases into the intron before coding-DNA position 572, G replaced by A.
Molecular consequence: intron variant.
Genome position (GRCh38, 1-based): chr17:58,703,186, G>A. VCF-style: chr17-58703186-G-A. GRCh37 (hg19) VCF-style: chr17-56780547-G-A.
Identifiers: ClinVar variation 3690499 (VCV003690499.3).
Genomic context (GRCh38, chr17:58,703,186, plus strand): 5'-GCATTGTTTTTCTACAATTGCCAATACATCCAAACAGGTAAAACTAATTAAGAGTGTTTT[G>A]TTGTTTCAGAACACCGAAAAGCTTTGGAGGATTTCACTCTTGATAATATTCTTTCTCATA-3'

ClinVar aggregate classification (germline): Likely benign. Review status: criteria provided, multiple submitters, no conflicts (2 of 4 stars). 2 submissions from 2 submitters: Likely benign (2). Last evaluated 2025-02-18.

Conditions:
Fanconi anemia complementation group O. Also called: RAD51C-Related Fanconi Anemia. Identifiers: Orphanet 84, MedGen C3150653, MONDO:0013248, OMIM 613390.
Breast-ovarian cancer, familial, susceptibility to, 3. Also called: RAD51C-Related Breast/Ovarian Cancer. Identifiers: Orphanet 145, MedGen C3150659, MONDO:0013253, OMIM 613399.

gnomAD v4.1: 1 of 1,610,200 alleles (0.000062%); highest among the groups gnomAD compares: Middle Eastern, 0.017%; no homozygotes.

Submissions (2):

Myriad Genetics, Inc.
Classification: Likely benign for Breast-ovarian cancer, familial, susceptibility to, 3. Last evaluated: 2025-02-18. Review status: criteria provided, single submitter. Criteria: Myriad Autosomal Dominant, Autosomal Recessive and X-Linked Classification Criteria (2023). Collection method: clinical testing. Allele origin: unknown.
Comment: This variant is considered likely benign. This variant is intronic and is not expected to impact mRNA splicing.

Labcorp Genetics (formerly Invitae), Labcorp
Classification: Likely benign for Fanconi anemia complementation group O. Last evaluated: 2024-09-12. Review status: criteria provided, single submitter. Criteria: Invitae Variant Classification Sherloc (09022015). Collection method: clinical testing. Allele origin: germline.